The following is an entry in ClinVar:

ClinVar aggregate classification (germline): Uncertain significance (1 of 4 stars; one submission).

Conditions:
Joubert syndrome 18 (JBTS18). Identifiers: Orphanet 2754, MedGen C3553758, MONDO:0013896, OMIM 614815.
Orofacial-digital syndrome IV (OFD4). Also called: Orofaciodigital syndrome IV; BARAITSER-BURN SYNDROME; MOHR-MAJEWSKI SYNDROME; OFD SYNDROME WITH TIBIAL DEFECTS; OFD SYNDROME, BARAITSER-BURN TYPE; OFDS IV. Identifiers: Orphanet 2753, MedGen C0406727, MONDO:0009794, OMIM 258860.

Submission:

Labcorp Genetics (formerly Invitae), Labcorp
Classification: Uncertain significance for Joubert syndrome 18; Orofacial-digital syndrome IV. Last evaluated: 2022-02-04. Review status: criteria provided, single submitter. Criteria: Invitae Variant Classification Sherloc (09022015). Collection method: clinical testing. Allele origin: germline.
Comment: This sequence change replaces threonine, which is neutral and polar, with serine, which is neutral and polar, at codon 474 of the TCTN3 protein (p.Thr474Ser). This variant is not present in population databases (gnomAD no frequency). In summary, the available evidence is currently insufficient to determine the role of this variant in disease. Therefore, it has been classified as a Variant of Uncertain Significance. Algorithms developed to predict the effect of missense changes on protein structure and function output the following: SIFT: "Tolerated"; PolyPhen-2: "Benign"; Align-GVGD: "Class C0". The serine amino acid residue is found in multiple mammalian species, which suggests that this missense change does not adversely affect protein function. This variant has not been reported in the literature in individuals affected with TCTN3-related conditions.

NM_015631.6(TCTN3):c.1421C>G (p.Thr474Ser)

Gene: TCTN3 (tectonic family member 3; minus strand). Cytogenetic location: 10q24.1.
Variant type: single nucleotide variant.
Coding change: c.1421C>G on transcript NM_015631.6 (MANE Select); coding-DNA position 1421, C replaced by G.
Protein change: p.Thr474Ser; replaces threonine 474 with serine.
Molecular consequence: missense variant.
Genome position (GRCh38, 1-based): chr10:95,682,682, G>C on the plus strand (C>G on the coding strand, the complement: TCTN3 is on the minus strand). VCF-style: chr10-95682682-G-C. GRCh37 (hg19) VCF-style: chr10-97442439-G-C.
Other names: c.977C>G, p.Thr326Ser (NM_001143973.2); short protein forms T326S, T474S.
Identifiers: ClinVar variation 1478028 (VCV001478028.8), dbSNP rs1190331074, ClinGen allele CA377702276.